The following is an entry in ClinVar:

NM_001005361.3(DNM2):c.2023A>G (p.Met675Val)

Gene: DNM2 (dynamin 2; plus strand). Cytogenetic location: 19p13.2.
Variant type: single nucleotide variant.
Coding change: c.2023A>G on transcript NM_001005361.3 (MANE Select); coding-DNA position 2023, A replaced by G.
Protein change: p.Met675Val; replaces methionine 675 with valine.
Molecular consequence: missense variant.
Genome position (GRCh38, 1-based): chr19:10,825,186, A>G. VCF-style: chr19-10825186-A-G. GRCh37 (hg19) VCF-style: chr19-10935862-A-G.
Other names: c.2011A>G, p.Met671Val (NM_001005362.3, NM_004945.4); c.2023A>G, p.Met675Val (NM_001190716.2, NM_001005360.3); short protein forms M675V, M671V.
Identifiers: ClinVar variation 533832 (VCV000533832.8), dbSNP rs1555716140, ClinGen allele CA404041674.

ClinVar aggregate classification (germline): Uncertain significance (1 of 4 stars; one submission).

Conditions:
Charcot-Marie-Tooth disease dominant intermediate B (CMTDIB). Also called: CHARCOT-MARIE-TOOTH NEUROPATHY, DOMINANT INTERMEDIATE B; Charcot-Marie-Tooth disease dominant intermediate 1; CMT DI1; Charcot-Marie-Tooth disease dominant intermediate I. Identifiers: Orphanet 100044, Orphanet 228179, MedGen C1847902, MONDO:0011674, OMIM 606482.

Allele frequency attached by ClinVar (database versions not stated): gnomAD exomes below 0.00001.
gnomAD v4.1: 1 of 1,614,214 alleles (0.000062%); highest among the groups gnomAD compares: Non-Finnish European, 0.000085%; no homozygotes.

Submission:

Labcorp Genetics (formerly Invitae), Labcorp
Classification: Uncertain significance for Charcot-Marie-Tooth disease dominant intermediate B. Last evaluated: 2017-10-25. Review status: criteria provided, single submitter. Criteria: Invitae Variant Classification Sherloc (09022015). Collection method: clinical testing. Allele origin: germline.
Comment: In summary, the available evidence is currently insufficient to determine the role of this variant in disease. Therefore, it has been classified as a Variant of Uncertain Significance. Algorithms developed to predict the effect of missense changes on protein structure and function (SIFT, PolyPhen-2, Align-GVGD) all suggest that this variant is likely to be tolerated, but these predictions have not been confirmed by published functional studies and their clinical significance is uncertain. This variant has not been reported in the literature in individuals with DNM2-related disease. This variant is not present in population databases (ExAC no frequency). This sequence change replaces methionine with valine at codon 675 of the DNM2 protein (p.Met675Val). The methionine residue is moderately conserved and there is a small physicochemical difference between methionine and valine.